The following is an entry in ClinVar:

ClinVar aggregate classification (germline): Uncertain significance (1 of 4 stars; one submission).

Conditions:
Cardiovascular phenotype. Identifiers: MedGen CN230736.
Hereditary cancer-predisposing syndrome. Also called: Tumor predisposition; Neoplastic Syndromes, Hereditary; Hereditary neoplastic syndrome; Hereditary Cancer Syndrome. Identifiers: Orphanet 140162, MedGen C0027672, MeSH D009386, MONDO:0015356.

Submission:

Ambry Genetics
Classification: Uncertain significance for Cardiovascular phenotype; Hereditary cancer-predisposing syndrome. Last evaluated: 2025-08-20. Review status: criteria provided, single submitter. Criteria: Ambry Variant Classification Scheme 2023. Collection method: clinical testing. Allele origin: germline.
Comment: The p.I570F variant (also known as c.1708A>T), located in coding exon 15 of the LZTR1 gene, results from an A to T substitution at nucleotide position 1708. The isoleucine at codon 570 is replaced by phenylalanine, an amino acid with highly similar properties. This amino acid position is conserved. In addition, the in silico prediction for this alteration is inconclusive. Based on the available evidence, the clinical significance of this variant remains unclear.

NM_006767.4(LZTR1):c.1708A>T (p.Ile570Phe)

Gene: LZTR1 (leucine zipper like post translational regulator 1; plus strand). Cytogenetic location: 22q11.21.
Variant type: single nucleotide variant.
Coding change: c.1708A>T on transcript NM_006767.4 (MANE Select); coding-DNA position 1708, A replaced by T.
Protein change: p.Ile570Phe; replaces isoleucine 570 with phenylalanine.
Molecular consequence: missense variant.
Genome position (GRCh38, 1-based): chr22:20,994,650, A>T. VCF-style: chr22-20994650-A-T. GRCh37 (hg19) VCF-style: chr22-21348939-A-T.
Other names: short protein forms I570F.
Identifiers: ClinVar variation 4101926 (VCV004101926.1).
Genomic context (GRCh38, chr22:20,994,650, plus strand): 5'-GTGTACAAACTGGCACTGAGCTTCCAGTTGTGCCGCCTGGAGCAGCTGTGCCGCCAGTAC[A>T]TCGAGGCCTCCGTGGACCTGCAGAACGTGCTGGTTGTGTGCGAGAGTGCCGCCCGGCTGC-3'
Protein context (NP_006758.2, residues 560-580): CRLEQLCRQY[Ile570Phe]EASVDLQNVL